The following is an entry in ClinVar:

NM_001201543.2(FAM161A):c.721C>G (p.Pro241Ala)

Gene: FAM161A (FAM161 centrosomal protein A; minus strand). Cytogenetic location: 2p15.
Variant type: single nucleotide variant.
Coding change: c.721C>G on transcript NM_001201543.2 (MANE Select); coding-DNA position 721, C replaced by G.
Protein change: p.Pro241Ala; replaces proline 241 with alanine.
Molecular consequence: missense variant. On other transcripts: non-coding transcript variant (1).
Genome position (GRCh38, 1-based): chr2:61,840,283, G>C on the plus strand (C>G on the coding strand, the complement: FAM161A is on the minus strand). VCF-style: chr2-61840283-G-C. GRCh37 (hg19) VCF-style: chr2-62067418-G-C.
Other names: c.721C>G, p.Pro241Ala (NM_032180.3); short protein forms P241A.
Identifiers: ClinVar variation 2188969 (VCV002188969.3), dbSNP rs531709417, ClinGen allele CA1679296.

ClinVar aggregate classification (germline): Uncertain significance. Review status: criteria provided, multiple submitters, no conflicts (2 of 4 stars). 3 submissions from 3 submitters: Uncertain significance (3). Last evaluated 2022-08-16.

Conditions:
Retinitis pigmentosa 28 (RP28). Identifiers: Orphanet 791, MedGen C1419614, MONDO:0011630, OMIM 606068.

gnomAD v4.1: 77 of 1,613,842 alleles (0.0048%); highest among the groups gnomAD compares: Non-Finnish European, 0.0058%; no homozygotes.

Submissions (3):

Labcorp Genetics (formerly Invitae), Labcorp
Classification: Uncertain significance. Last evaluated: 2022-08-16. Review status: criteria provided, single submitter. Criteria: Invitae Variant Classification Sherloc (09022015). Collection method: clinical testing. Allele origin: germline.
Comment: This sequence change replaces proline, which is neutral and non-polar, with alanine, which is neutral and non-polar, at codon 241 of the FAM161A protein (p.Pro241Ala). This variant is present in population databases (rs531709417, gnomAD 0.004%). This variant has not been reported in the literature in individuals affected with FAM161A-related conditions. Algorithms developed to predict the effect of missense changes on protein structure and function (SIFT, PolyPhen-2, Align-GVGD) all suggest that this variant is likely to be disruptive. In summary, the available evidence is currently insufficient to determine the role of this variant in disease. Therefore, it has been classified as a Variant of Uncertain Significance.

Department of Pathology and Laboratory Medicine, Sinai Health System
Classification: Uncertain significance for Retinitis pigmentosa 28. Last evaluated: 2022-01-17. Review status: criteria provided, single submitter. Criteria: ACMG Guidelines, 2015. Collection method: research. Allele origin: germline.

Blueprint Genetics
Classification: Uncertain significance. Last evaluated: 2021-06-04. Review status: criteria provided, single submitter. Criteria: ACMG Guidelines, 2015. Collection method: clinical testing. Allele origin: germline.